The following is an entry in ClinVar:

NM_015412.4(NEPRO):c.1204C>T (p.Arg402Trp)

Gene: NEPRO (nucleolus and neural progenitor protein; minus strand). Cytogenetic location: 3q13.2.
Variant type: single nucleotide variant.
Coding change: c.1204C>T on transcript NM_015412.4 (MANE Select); coding-DNA position 1204, C replaced by T.
Protein change: p.Arg402Trp; replaces arginine 402 with tryptophan.
Molecular consequence: missense variant. On other transcripts: non-coding transcript variant (1).
Genome position (GRCh38, 1-based): chr3:113,008,202, G>A on the plus strand (C>T on the coding strand, the complement: NEPRO is on the minus strand). VCF-style: chr3-113008202-G-A. GRCh37 (hg19) VCF-style: chr3-112727049-G-A.
Other names: c.994C>T, p.Arg332Trp (NM_001319109.2); c.703C>T, p.Arg235Trp (NM_001319110.2); c.595C>T, p.Arg199Trp (NM_001319111.2); c.871C>T, p.Arg291Trp (NM_001319112.2); c.796C>T, p.Arg266Trp (NM_001319114.2); c.913C>T, p.Arg305Trp (NM_001319115.2); short protein forms R199W, R235W, R266W, R291W, R305W, R332W, R402W.
Identifiers: ClinVar variation 3354721 (VCV003354721.1).
Genomic context (GRCh38, chr3:113,008,202, plus strand): 5'-AAGTAACATAATTTTTGCAATATACCTACCTAGTACCTTGAGCTTCCAGATGTTTAAGCC[G>A]GTTGCTTTTAAGAAGTTTGTTACCCAGAAAAATGGCCTGAGCCTTGAGTTTTTTGCTCCT-3'
Protein context (NP_056227.2, residues 392-412): FLGNKLLKSN[Arg402Trp]LKHLEAQGTS

ClinVar aggregate classification (germline): Uncertain significance (0 of 4 stars; one submission).

Conditions:
NEPRO-related disorder. Also called: NEPRO-related condition.

gnomAD v4.1: 529 of 1,613,936 alleles (0.033%); highest among the groups gnomAD compares: Non-Finnish European, 0.039%; no homozygotes.

Submission:

PreventionGenetics, part of Exact Sciences
Classification: Uncertain significance for NEPRO-related condition. Last evaluated: 2024-03-27. Review status: no assertion criteria provided. Collection method: clinical testing. Allele origin: germline.
Comment: The NEPRO c.1204C>T variant is predicted to result in the amino acid substitution p.Arg402Trp. To our knowledge, this variant has not been reported in the literature. This variant is reported in 0.12% of alleles in individuals of Ashkenazi Jewish descent in gnomAD. Although we suspect that this variant may be benign, at this time, the clinical significance of this variant is uncertain due to the absence of conclusive functional and genetic evidence.